The following is an entry in ClinVar:

ClinVar aggregate classification (germline): Uncertain significance (1 of 4 stars; one submission).

Submission:

Women's Health and Genetics/Laboratory Corporation of America, LabCorp
Classification: Uncertain significance. Last evaluated: 2026-02-11. Review status: criteria provided, single submitter. Criteria: LabCorp Variant Classification Summary - May 2015. Collection method: clinical testing. Allele origin: germline.
Comment: Variant summary: COL4A3 c.3455G>C (p.Gly1152Ala) results in a non-conservative amino acid change in the encoded protein sequence. Algorithms developed to predict the effect of missense changes on protein structure and function all suggest that this variant is likely to be disruptive. The variant was absent in 249466 control chromosomes. The available data on variant occurrences in the general population are insufficient to allow any conclusion about variant significance. To our knowledge, no occurrence of c.3455G>C in individuals affected with COL4A3-related conditions and no experimental evidence demonstrating its impact on protein function have been reported. No submitters have cited clinical-significance assessments for this variant to ClinVar. Based on the evidence outlined above, the variant was classified as uncertain significance.

NM_000091.5(COL4A3):c.3455G>C (p.Gly1152Ala)

Genes: COL4A3 (collagen type IV alpha 3 chain; plus strand), MFF-DT (MFF divergent transcript; minus strand). Cytogenetic location: 2q36.3.
Variant type: single nucleotide variant.
Coding change: c.3455G>C on transcript NM_000091.5 (MANE Select); coding-DNA position 3455, G replaced by C.
Protein change: p.Gly1152Ala; replaces glycine 1152 with alanine.
Molecular consequence: missense variant.
Genome position (GRCh38, 1-based): chr2:227,295,000, G>C. VCF-style: chr2-227295000-G-C. GRCh37 (hg19) VCF-style: chr2-228159716-G-C.
Other names: short protein forms G1152A.
Identifiers: ClinVar variation 4847893 (VCV004847893.1).